The following is an entry in ClinVar:

ClinVar aggregate classification (germline): Uncertain significance. Review status: criteria provided, multiple submitters, no conflicts (2 of 4 stars). 2 submissions from 2 submitters: Uncertain significance (2). Last evaluated 2025-02-06.

Conditions:
Fanconi anemia (FA). Also called: Fanconi's anemia. Identifiers: Orphanet 84, MedGen C0015625, MeSH D005199, MONDO:0019391.
Inborn genetic diseases. Identifiers: MedGen C0950123, MeSH D030342.

Allele frequency attached by ClinVar (database versions not stated): gnomAD exomes below 0.00001; TOPMed below 0.00001.
gnomAD v4.1: 2 of 1,614,246 alleles (0.00012%); highest among the groups gnomAD compares: Non-Finnish European, 0.00017%; no homozygotes.

Submissions (2):

Ambry Genetics
Classification: Uncertain significance for Inborn genetic diseases. Last evaluated: 2025-02-06. Review status: criteria provided, single submitter. Criteria: Ambry Variant Classification Scheme 2023. Collection method: clinical testing. Allele origin: germline.
Comment: The p.K1398R variant (also known as c.4193A>G), located in coding exon 42 of the FANCA gene, results from an A to G substitution at nucleotide position 4193. The lysine at codon 1398 is replaced by arginine, an amino acid with highly similar properties. This amino acid position is conserved. In addition, this alteration is predicted to be tolerated by in silico analysis. Based on the available evidence, the clinical significance of this variant remains unclear.

Labcorp Genetics (formerly Invitae), Labcorp
Classification: Uncertain significance for Fanconi anemia. Last evaluated: 2022-09-19. Review status: criteria provided, single submitter. Criteria: Invitae Variant Classification Sherloc (09022015). Collection method: clinical testing. Allele origin: germline.
Comment: This sequence change replaces lysine, which is basic and polar, with arginine, which is basic and polar, at codon 1398 of the FANCA protein (p.Lys1398Arg). This variant is present in population databases (no rsID available, gnomAD 0.0009%). This variant has not been reported in the literature in individuals affected with FANCA-related conditions. Advanced modeling of protein sequence and biophysical properties (such as structural, functional, and spatial information, amino acid conservation, physicochemical variation, residue mobility, and thermodynamic stability) performed at Invitae indicates that this missense variant is not expected to disrupt FANCA protein function. In summary, the available evidence is currently insufficient to determine the role of this variant in disease. Therefore, it has been classified as a Variant of Uncertain Significance.

NM_000135.4(FANCA):c.4193A>G (p.Lys1398Arg)

Genes: FANCA (FA complementation group A; minus strand), ZNF276 (zinc finger protein 276; plus strand). Cytogenetic location: 16q24.3.
Variant type: single nucleotide variant.
Coding change: c.4193A>G on transcript NM_000135.4 (MANE Select); coding-DNA position 4193, A replaced by G.
Protein change: p.Lys1398Arg; replaces lysine 1398 with arginine.
Molecular consequence: missense variant. On other transcripts: 3 prime UTR variant (2), non-coding transcript variant (4), synonymous variant (1).
Genome position (GRCh38, 1-based): chr16:89,738,949, T>C on the plus strand (A>G on the coding strand, the complement: FANCA is on the minus strand). VCF-style: chr16-89738949-T-C. GRCh37 (hg19) VCF-style: chr16-89805357-T-C.
Other names: c.*703T>C (NM_001113525.2, NM_152287.4); c.4197A>G, p.Lys1399= (NM_001286167.3); short protein forms K1398R.
Identifiers: ClinVar variation 2049844 (VCV002049844.6), dbSNP rs1177499044, ClinGen allele CA397483646.